The following is an entry in ClinVar:

NM_182914.3(SYNE2):c.13970A>C (p.Gln4657Pro)

Gene: SYNE2 (spectrin repeat containing nuclear envelope protein 2; plus strand). Cytogenetic location: 14q23.2.
Variant type: single nucleotide variant.
Coding change: c.13970A>C on transcript NM_182914.3 (MANE Select); coding-DNA position 13970, A replaced by C.
Protein change: p.Gln4657Pro; replaces glutamine 4657 with proline.
Molecular consequence: missense variant.
Genome position (GRCh38, 1-based): chr14:64,128,504, A>C. VCF-style: chr14-64128504-A-C. GRCh37 (hg19) VCF-style: chr14-64595222-A-C.
Other names: c.13970A>C, p.Gln4657Pro (NM_015180.6); short protein forms Q4657P.
Identifiers: ClinVar variation 4076235 (VCV004076235.1).
Genomic context (GRCh38, chr14:64,128,504, plus strand): 5'-TCTTACAGAATGAAATAAAGAGATTATATCATCAGCTCATTAAGAGTAAGACATCTTTAC[A>C]ACAGTCTTTGAATGAAATCAGTGGGCAGAGTGTTGCTGAACAGCTTCAGGTAATCAAGTC-3'
Protein context (NP_878918.2, residues 4647-4667): HQLIKSKTSL[Gln4657Pro]QSLNEISGQS

ClinVar aggregate classification (germline): Uncertain significance (1 of 4 stars; one submission).

Conditions:
Emery-Dreifuss muscular dystrophy 5, autosomal dominant (EDMD5). Also called: EMERY-DREIFUSS MUSCULAR DYSTROPHY 5. Identifiers: Orphanet 261, MedGen C2751805, MONDO:0013072, OMIM 612999.

Submission:

Laboratorio de Genetica e Diagnostico Molecular, Hospital Israelita Albert Einstein
Classification: Uncertain significance for Emery-Dreifuss muscular dystrophy 5, autosomal dominant. Last evaluated: 2025-04-28. Review status: criteria provided, single submitter. Criteria: ACMG Guidelines, 2015. Collection method: clinical testing. Allele origin: germline. Affected: yes.
Comment: ACMG classification criteria: PM2 supporting, BP4 supporting